The following is an entry in ClinVar:

ClinVar aggregate classification (germline): Conflicting classifications of pathogenicity. Review status: criteria provided, conflicting classifications (1 of 4 stars). 3 submissions from 3 submitters: Uncertain significance (1); Likely benign (2). Last evaluated 2026-01-25.

Conditions:
Hereditary cancer-predisposing syndrome. Also called: Tumor predisposition; Neoplastic Syndromes, Hereditary; Hereditary Cancer Syndrome; Hereditary neoplastic syndrome. Identifiers: Orphanet 140162, MedGen C0027672, MeSH D009386, MONDO:0015356.
Gorlin syndrome. Also called: Basal cell nevus syndrome; Nevoid Basal Cell Carcinoma Syndrome. Identifiers: Orphanet 377, MedGen C0004779, MONDO:0007187.

Allele frequency attached by ClinVar (database versions not stated): TOPMed 0.00003; gnomAD exomes 0.00004; ExAC 0.00005; gnomAD 0.00006 and 0.00007; 1000 Genomes Project 30x 0.00047; 1000 Genomes Project 0.00060.
gnomAD v4.1: 24 of 1,614,218 alleles (0.0015%); highest among the groups gnomAD compares: African/African-American, 0.028%; no homozygotes.

Submissions (3):

Labcorp Genetics (formerly Invitae), Labcorp
Classification: Likely benign for Gorlin syndrome. Last evaluated: 2026-01-25. Review status: criteria provided, single submitter. Criteria: Invitae Variant Classification Sherloc (09022015). Collection method: clinical testing. Allele origin: germline.

Ambry Genetics
Classification: Likely benign for Hereditary cancer-predisposing syndrome. Last evaluated: 2023-07-18. Review status: criteria provided, single submitter. Criteria: Ambry Variant Classification Scheme 2023. Collection method: clinical testing. Allele origin: germline.

Sema4
Classification: Uncertain significance for Hereditary cancer-predisposing syndrome. Last evaluated: 2021-06-08. Review status: criteria provided, single submitter. Criteria: Sema4 Curation Guidelines. Collection method: curation. Allele origin: germline.
Comment: The PTCH1 c.1342C>A (p.L448I) variant has not been reported in the literature to our knowledge. It was observed in 10/24966 chromosomes in the African/African American subpopulation, including 0 homozygotes, in the large and broad cohorts of the Genome Aggregation Database (PMID: 32461654). The variant has been reported in ClinVar (Variation ID: 486192). In silico tools suggest the impact of the variant on protein function is inconclusive, though these predictions have not been confirmed by functional studies. The evidence is insufficient to meet ACMG/AMP criteria for classifying the variant as benign or pathogenic. Thus, the clinical significance of this variant is currently uncertain.

NM_000264.5(PTCH1):c.1342C>A (p.Leu448Ile)

Gene: PTCH1 (patched 1; minus strand). Cytogenetic location: 9q22.32.
Variant type: single nucleotide variant.
Coding change: c.1342C>A on transcript NM_000264.5 (MANE Select); coding-DNA position 1342, C replaced by A.
Protein change: p.Leu448Ile; replaces leucine 448 with isoleucine.
Molecular consequence: missense variant. On other transcripts: non-coding transcript variant (1).
Genome position (GRCh38, 1-based): chr9:95,478,060, G>T on the plus strand (C>A on the coding strand, the complement: PTCH1 is on the minus strand). VCF-style: chr9-95478060-G-T. GRCh37 (hg19) VCF-style: chr9-98240342-G-T.
Other names: c.1144C>A, p.Leu382Ile (NM_001083602.3); c.1339C>A, p.Leu447Ile (NM_001083603.3); c.889C>A, p.Leu297Ile (NM_001083604.3, NM_001083605.3, NM_001083606.3 and 1 more transcripts); c.1342C>A, p.Leu448Ile (NM_001354918.2); short protein forms L382I, L448I, L447I, L297I.
Identifiers: ClinVar variation 486192 (VCV000486192.18), dbSNP rs537871675, ClinGen allele CA5138699.